The following is an entry in ClinVar:

NM_000419.5(ITGA2B):c.800-2A>G

Gene: ITGA2B (integrin subunit alpha 2b; minus strand). Cytogenetic location: 17q21.31.
Variant type: single nucleotide variant.
Coding change: c.800-2A>G on transcript NM_000419.5 (MANE Select); the canonical splice acceptor site of the intron before coding-DNA position 800, A replaced by G.
Molecular consequence: splice acceptor variant.
Genome position (GRCh38, 1-based): chr17:44,384,587, T>C on the plus strand (A>G on the coding strand, the complement: ITGA2B is on the minus strand). VCF-style: chr17-44384587-T-C. GRCh37 (hg19) VCF-style: chr17-42461955-T-C.
Identifiers: ClinVar variation 1210191 (VCV001210191.3), dbSNP rs2143481938, ClinGen allele CA399805152.

ClinVar aggregate classification (germline): Likely pathogenic. Review status: reviewed by expert panel (3 of 4 stars). 2 submissions from 2 submitters: Likely pathogenic (1). 1 of the submissions does not count toward it. Last evaluated 2024-08-20.

Conditions:
Glanzmann thrombasthenia. Also called: BLEEDING DISORDER, PLATELET-TYPE, 2; THROMBASTHENIA OF GLANZMANN AND NAEGELI; PLATELET GLYCOPROTEIN IIb-IIIa DEFICIENCY; Thrombasthenia; Glanzmann's thrombasthenia. Identifiers: Orphanet 849, MedGen C0040015, MONDO:0100326.

Submissions (2):

ClinGen Platelet Disorders Variant Curation Expert Panel, ClinGen
Classification: Likely pathogenic for Glanzmann thrombasthenia. Last evaluated: 2024-08-20. Review status: reviewed by expert panel. Criteria: ClinGen Platelet ACMG Specifications v2-1. Collection method: curation. Allele origin: germline. Inheritance: Autosomal recessive inheritance.
Comment: The ITGA2B splice variant NM_000419.5:c.800-2A>G alters a canonical splice acceptor located at the 3' end of intron 7 and the 5' end of exon 8. Although the effect of this splice variant has not been experimentally determined, it is predicted to result in the in frame skipping of exon 8 and loss of 16 amino acids (AA 267-282) from the resulting protein, altering the β propeller domain (spanning AA 32-482) which is critical to protein function (PVS1). This variant has been observed in homozygosity in one individual with a phenotype specific for Glanzmann's thrombasthenia (GT) (GT27, PMID: 16463284; PM3_supporting). All requirements for PP4_moderate are met (GT27 in PMID: 16463284): history of bleeding and impaired aggregation to at least two agonists, but normal or only mildly reduced agglutination with ristocetin. Furthermore, this variant is absent from population databases, including gnomADv4.1.0 (PM2_supporting). In summary, this variant meets criteria to be classified as likely pathogenic for GT. GT-specific criteria applied: PVS1_strong, PP4_moderate, PM2_supporting, and PM3_supporting.

GeneDx
Classification: Likely pathogenic. Last evaluated: 2024-04-04. Review status: criteria provided, single submitter. Criteria: GeneDx Variant Classification Process June 2021. Collection method: clinical testing. Allele origin: germline. Affected: yes. Not counted in ClinVar's aggregate classification.
Comment: Canonical splice site variant predicted to result in an in-frame loss of the adjacent exon in a gene for which loss of function is a known mechanism of disease; Not observed at significant frequency in large population cohorts (gnomAD); This variant is associated with the following publications: (PMID: 25525159, 16463284)